The following is an entry in ClinVar:

NM_000062.3(SERPING1):c.473C>G (p.Ser158Ter)

Gene: SERPING1 (serpin family G member 1; plus strand). Cytogenetic location: 11q12.1.
Variant type: single nucleotide variant.
Coding change: c.473C>G on transcript NM_000062.3 (MANE Select); coding-DNA position 473, C replaced by G.
Protein change: p.Ser158Ter; replaces serine 158 with a stop codon.
Molecular consequence: nonsense.
Genome position (GRCh38, 1-based): chr11:57,600,300, C>G. VCF-style: chr11-57600300-C-G. GRCh37 (hg19) VCF-style: chr11-57367773-C-G.
Other names: c.473C>G, p.Ser158Ter (NM_001032295.2); short protein forms S158*.
Identifiers: ClinVar variation 3336717 (VCV003336717.2).
Genomic context (GRCh38, chr11:57,600,300, plus strand): 5'-CAGAGGCCGTGTTGGGGGATGCTTTGGTAGATTTCTCCCTGAAGCTCTACCACGCCTTCT[C>G]AGCAATGAAGAAGGTGGAGACCAACATGGCCTTTTCCCCATTCAGCATCGCCAGCCTCCT-3'

ClinVar aggregate classification (germline): Pathogenic (1 of 4 stars; one submission).

Conditions:
Hereditary angioedema type 1 (HAE1). Identifiers: Orphanet 100050, Orphanet 100051, Orphanet 91378, MedGen C2717906, MONDO:0015053, OMIM 106100.

Submission:

DNA-diagnostics Laboratory, Research Centre For Medical Genetics
Classification: Pathogenic for Hereditary angioedema type 1. Last evaluated: 2024-08-09. Review status: criteria provided, single submitter. Criteria: ACMG Guidelines, 2015. Collection method: research. Allele origin: germline. Inheritance: Autosomal dominant inheritance. Affected: yes. Observed: 1 heterozygote.
Comment: The pathogenic or likely pathogenic SERPING1 gene variants are detected in >90% of the HAE1/2 families and in >80% of the total HAE families (e.g., DOI: 10.1016/j.molimm.2008.05.007, 10.1159/2F000138883, 10.1016/j.molimm.2011.07.010). Across all SERPING1 gene exons, about 50% of the pathogenic or likely pathogenic variants associated with HAE are LoF (173/297 in ClinVar or 292/596 in HGMD 2022.1). The c.473C>G variant in SERPING1 is localized in exon 3 from total of eight gene exons assembling biologically-relevant transcripts, and it is predicted to result in premature stop-codon formation (p.Ser158*) and NMD. Additionally more than 3 LoF variants of the exon 3 SERPING1 gene are pathogenic without the PVS1 criterion: for example, such variants as c.346C>T (p.Gln116*, DOI: 10.1067/mai.2000.110471, 10.1371/journal.pone.0142174), c.120_121del (ClinVar ID: 3248624), c.550+5G>A (ClinVar ID: 3248617) and c.550G>A (p.Gly184Arg, ClinVar ID: 68253). This variant has not been reported in a large population database. In summary, the c.473C>G variant in SERPING1 meets ACMG/ClinGen SVI guidance criteria to be classified as pathogenic: PVS1, PP4_Str, PS4_Mod, PM2_Sup

Literature cited by the submitters: DOI 10.1016/j.imlet.2011.07.011; DOI 10.1016/j.molimm.2011.07.010; DOI 10.1016/j.gene.2018.05.029; DOI 10.1002/humu.23917; DOI 10.1016/j.molimm.2008.05.007; DOI 10.1159/2F000138883; DOI 10.1067/mai.2000.110471; DOI 10.1371/journal.pone.0142174.